The following is an entry in ClinVar:

NM_002693.3(POLG):c.1978T>G (p.Cys660Gly)

Gene: POLG (DNA polymerase gamma, catalytic subunit; minus strand). Cytogenetic location: 15q26.1.
Variant type: single nucleotide variant.
Coding change: c.1978T>G on transcript NM_002693.3 (MANE Select); coding-DNA position 1978, T replaced by G.
Protein change: p.Cys660Gly; replaces cysteine 660 with glycine.
Molecular consequence: missense variant.
Genome position (GRCh38, 1-based): chr15:89,324,199, A>C on the plus strand (T>G on the coding strand, the complement: POLG is on the minus strand). VCF-style: chr15-89324199-A-C. GRCh37 (hg19) VCF-style: chr15-89867430-A-C.
Other names: c.1978T>G, p.Cys660Gly (NM_001126131.2); short protein forms C660G.
Identifiers: ClinVar variation 1715994 (VCV001715994.6), dbSNP rs2509234113, ClinGen allele CA393757792.

ClinVar aggregate classification (germline): Uncertain significance (1 of 4 stars; one submission).

Conditions:
Progressive sclerosing poliodystrophy (MTDPS4A). Also called: NEURONAL DEGENERATION OF CHILDHOOD WITH LIVER DISEASE, PROGRESSIVE; Alpers Syndrome; ALPERS DIFFUSE DEGENERATION OF CEREBRAL GRAY MATTER WITH HEPATIC CIRRHOSIS; Alpers-Huttenlocher Syndrome; Mitochondrial DNA Depletion Syndrome 4A; Alpers-Huttenlocher Syndrome (AHS). Identifiers: Orphanet 726, MedGen C0205710, MONDO:0008758, OMIM 203700.

Submission:

Labcorp Genetics (formerly Invitae), Labcorp
Classification: Uncertain significance for Progressive sclerosing poliodystrophy. Last evaluated: 2024-11-05. Review status: criteria provided, single submitter. Criteria: Invitae Variant Classification Sherloc (09022015). Collection method: clinical testing. Allele origin: germline.
Comment: This sequence change replaces cysteine, which is neutral and slightly polar, with glycine, which is neutral and non-polar, at codon 660 of the POLG protein (p.Cys660Gly). This variant is not present in population databases (gnomAD no frequency). This variant has not been reported in the literature in individuals affected with POLG-related conditions. ClinVar contains an entry for this variant (Variation ID: 1715994). Invitae Evidence Modeling of protein sequence and biophysical properties (such as structural, functional, and spatial information, amino acid conservation, physicochemical variation, residue mobility, and thermodynamic stability) indicates that this missense variant is not expected to disrupt POLG protein function with a negative predictive value of 95%. In summary, the available evidence is currently insufficient to determine the role of this variant in disease. Therefore, it has been classified as a Variant of Uncertain Significance.